The following is an entry in ClinVar:

NM_017636.4(TRPM4):c.1612T>C (p.Tyr538His)

Gene: TRPM4 (transient receptor potential cation channel subfamily M member 4; plus strand). Cytogenetic location: 19q13.33.
Variant type: single nucleotide variant.
Coding change: c.1612T>C on transcript NM_017636.4 (MANE Select); coding-DNA position 1612, T replaced by C.
Protein change: p.Tyr538His; replaces tyrosine 538 with histidine.
Molecular consequence: missense variant.
Genome position (GRCh38, 1-based): chr19:49,183,081, T>C. VCF-style: chr19-49183081-T-C. GRCh37 (hg19) VCF-style: chr19-49686338-T-C.
Other names: c.1612T>C, p.Tyr538His (NM_001195227.2); c.1267T>C, p.Tyr423His (NM_001321281.2); c.4T>C, p.Tyr2His (NM_001321282.2); c.1090T>C, p.Tyr364His (NM_001321283.2); c.550T>C, p.Tyr184His (NM_001321285.2); short protein forms Y538H, Y184H, Y2H, Y364H, Y423H.
Identifiers: ClinVar variation 1449671 (VCV001449671.12), dbSNP rs528643605, ClinGen allele CA9569266.

ClinVar aggregate classification (germline): Uncertain significance. Review status: criteria provided, multiple submitters, no conflicts (2 of 4 stars). 4 submissions from 4 submitters: Uncertain significance (4). Last evaluated 2026-06-30.

Conditions:
Cardiovascular phenotype. Identifiers: MedGen CN230736.
Progressive familial heart block type IB (PFHB1B). Identifiers: Orphanet 871, MedGen C1970298, MONDO:0011474, OMIM 604559.

Allele frequency attached by ClinVar (database versions not stated): ExAC 0.00001; gnomAD 0.00001; TOPMed 0.00002; 1000 Genomes Project 30x 0.00016; 1000 Genomes Project 0.00020; gnomAD exomes 0.00001.
gnomAD v4.1: 9 of 1,612,152 alleles (0.00056%); highest among the groups gnomAD compares: African/African-American, 0.012%; no homozygotes.

Submissions (4):

Women's Health and Genetics/Laboratory Corporation of America, LabCorp
Classification: Uncertain significance. Last evaluated: 2026-06-30. Review status: criteria provided, single submitter. Criteria: LabCorp Variant Classification Summary - May 2015. Collection method: clinical testing. Allele origin: germline.

GeneDx
Classification: Uncertain significance. Last evaluated: 2025-03-18. Review status: criteria provided, single submitter. Criteria: GeneDx Variant Classification Process June 2021. Collection method: clinical testing. Allele origin: germline. Affected: yes.
Comment: Not observed at significant frequency in large population cohorts (gnomAD); In silico analysis indicates that this missense variant does not alter protein structure/function; Has not been previously published as pathogenic or benign to our knowledge

Labcorp Genetics (formerly Invitae), Labcorp
Classification: Uncertain significance for Progressive familial heart block type IB. Last evaluated: 2023-09-25. Review status: criteria provided, single submitter. Criteria: Invitae Variant Classification Sherloc (09022015). Collection method: clinical testing. Allele origin: germline.
Comment: In summary, the available evidence is currently insufficient to determine the role of this variant in disease. Therefore, it has been classified as a Variant of Uncertain Significance. Algorithms developed to predict the effect of missense changes on protein structure and function output the following: SIFT: "Not Available"; PolyPhen-2: "Benign"; Align-GVGD: "Not Available". The histidine amino acid residue is found in multiple mammalian species, which suggests that this missense change does not adversely affect protein function. ClinVar contains an entry for this variant (Variation ID: 1449671). This variant has not been reported in the literature in individuals affected with TRPM4-related conditions. This variant is present in population databases (rs528643605, gnomAD 0.01%). This sequence change replaces tyrosine, which is neutral and polar, with histidine, which is basic and polar, at codon 538 of the TRPM4 protein (p.Tyr538His).

Ambry Genetics
Classification: Uncertain significance for Cardiovascular phenotype. Last evaluated: 2022-07-23. Review status: criteria provided, single submitter. Criteria: Ambry Variant Classification Scheme 2023. Collection method: clinical testing. Allele origin: germline.
Comment: The p.Y538H variant (also known as c.1612T>C), located in coding exon 12 of the TRPM4 gene, results from a T to C substitution at nucleotide position 1612. The tyrosine at codon 538 is replaced by histidine, an amino acid with similar properties. This amino acid position is poorly conserved in available vertebrate species. In addition, this alteration is predicted to be tolerated by in silico analysis. Since supporting evidence is limited at this time, the clinical significance of this alteration remains unclear.